The following is an entry in ClinVar:

ClinVar aggregate classification (germline): Conflicting classifications of pathogenicity. Review status: criteria provided, conflicting classifications (1 of 4 stars). 5 submissions from 5 submitters: Uncertain significance (4); Likely benign (1). Last evaluated 2026-10-01.

Conditions:
Gastrointestinal stromal tumor. Also called: Gastrointestinal stroma tumor; Gastrointestinal stromal tumor, somatic. Identifiers: Orphanet 44890, MedGen C0238198, MeSH D046152, MONDO:0011719, OMIM 606764, HP:0100723.
Hereditary cancer-predisposing syndrome. Also called: Hereditary neoplastic syndrome; Neoplastic Syndromes, Hereditary; Hereditary Cancer Syndrome; Tumor predisposition. Identifiers: Orphanet 140162, MedGen C0027672, MeSH D009386, MONDO:0015356.
Polyps, multiple and recurrent inflammatory fibroid, gastrointestinal. Identifiers: MedGen C5193005, MONDO:0008285, OMIM 175510.

Allele frequency attached by ClinVar (database versions not stated): ExAC 0.00001; gnomAD exomes 0.00001; gnomAD 0.00005 and 0.00007; TOPMed 0.00008.
gnomAD v4.1: 19 of 1,614,130 alleles (0.0012%); highest among the groups gnomAD compares: African/African-American, 0.021%; no homozygotes.

Submissions (5):

St. Jude Molecular Pathology, St. Jude Children's Research Hospital
Classification: Uncertain significance for Polyps, multiple and recurrent inflammatory fibroid, gastrointestinal. Last evaluated: 2026-10-01. Review status: criteria provided, single submitter. Criteria: St. Jude Assertion Criteria 2020. Collection method: clinical testing. Allele origin: germline.
Comment: The PDGFRA c.1424A>C p.(Glu475Ala) missense change has a maximum sub population frequency of 0.03% in gnomAD v2.1.1. The in silico tool REVEL is inconclusive about a pathogenic or benign effect of this variant on protein function, and to our knowledge functional studies have not been p erformed. To our knowledge, this variant has not been reported in individuals with PDGFRA-related conditions. In summary, the evidence currently available is insufficient to determine the clinical significance of this variant. It has therefore been class ified as of uncertain significance.

Labcorp Genetics (formerly Invitae), Labcorp
Classification: Uncertain significance for Gastrointestinal stromal tumor. Last evaluated: 2025-12-08. Review status: criteria provided, single submitter. Criteria: Invitae Variant Classification Sherloc (09022015). Collection method: clinical testing. Allele origin: germline.
Comment: This sequence change replaces glutamic acid, which is acidic and polar, with alanine, which is neutral and non-polar, at codon 475 of the PDGFRA protein (p.Glu475Ala). This variant is present in population databases (rs780125769, gnomAD 0.02%). This variant has not been reported in the literature in individuals affected with PDGFRA-related conditions. ClinVar contains an entry for this variant (Variation ID: 407425). An algorithm developed to predict the effect of missense changes on protein structure and function (PolyPhen-2) suggests that this variant is likely to be tolerated. In summary, the available evidence is currently insufficient to determine the role of this variant in disease. Therefore, it has been classified as a Variant of Uncertain Significance.

GeneDx
Classification: Uncertain significance. Last evaluated: 2024-08-28. Review status: criteria provided, single submitter. Criteria: GeneDx Variant Classification Process June 2021. Collection method: clinical testing. Allele origin: germline. Affected: yes.
Comment: In silico analysis indicates that this missense variant does not alter protein structure/function; Has not been previously published as pathogenic or benign to our knowledge

Baylor Genetics
Classification: Uncertain significance for Polyps, multiple and recurrent inflammatory fibroid, gastrointestinal. Last evaluated: 2024-02-07. Review status: criteria provided, single submitter. Criteria: ACMG Guidelines, 2015. Collection method: clinical testing. Allele origin: unknown.

Ambry Genetics
Classification: Likely benign for Hereditary cancer-predisposing syndrome. Last evaluated: 2022-07-11. Review status: criteria provided, single submitter. Criteria: Ambry Variant Classification Scheme 2023. Collection method: clinical testing. Allele origin: germline.

NM_006206.6(PDGFRA):c.1424A>C (p.Glu475Ala)

Gene: PDGFRA (platelet derived growth factor receptor alpha; plus strand). Cytogenetic location: 4q12.
Variant type: single nucleotide variant.
Coding change: c.1424A>C on transcript NM_006206.6 (MANE Select); coding-DNA position 1424, A replaced by C.
Protein change: p.Glu475Ala; replaces glutamic acid 475 with alanine.
Molecular consequence: missense variant.
Genome position (GRCh38, 1-based): chr4:54,273,596, A>C. VCF-style: chr4-54273596-A-C. GRCh37 (hg19) VCF-style: chr4-55139763-A-C.
Other names: c.1424A>C, p.Glu475Ala (NM_001347827.2, NM_001347829.2); c.1499A>C, p.Glu500Ala (NM_001347828.2); c.1463A>C, p.Glu488Ala (NM_001347830.2); short protein forms E475A, E488A, E500A.
Identifiers: ClinVar variation 407425 (VCV000407425.16), dbSNP rs780125769, ClinGen allele CA2922562.